The following is an entry in ClinVar:

ClinVar aggregate classification (germline): Uncertain significance. Review status: criteria provided, multiple submitters, no conflicts (2 of 4 stars). 8 submissions from 8 submitters: Uncertain significance (8). Last evaluated 2026-05-13.

Conditions:
Polymerase proofreading-related adenomatous polyposis. Also called: Polymerase proofreading associated polyposis; Polymerase proofreading–associated polyposis (PPAP). Identifiers: Orphanet 447877, MedGen C5202613, MONDO:0018653.
Familial colorectal cancer type X. Identifiers: Orphanet 440437, MedGen C3896578, MONDO:0018604.
POLE-related disorder. Also called: POLE-related disorders; POLE-related condition.
Intrauterine growth retardation, metaphyseal dysplasia, adrenal hypoplasia congenita, genital anomalies, and immunodeficiency. Also called: IMAGEI SYNDROME. Identifiers: MedGen C5193036, MONDO:0032684, OMIM 618336.
Facial dysmorphism-immunodeficiency-livedo-short stature syndrome. Also called: Facial dysmorphism, immunodeficiency, livedo, and short stature; FILS syndrome. Identifiers: Orphanet 352712, MedGen C3554576, MONDO:0014058, OMIM 615139.
Colorectal cancer, susceptibility to, 12 (CRCS12). Also called: COLORECTAL CANCER, SUSCEPTIBILITY TO, ON CHROMOSOME 12q24. Identifiers: Orphanet 220460, MedGen C3554460, MONDO:0014038, OMIM 615083.
Hereditary cancer-predisposing syndrome. Also called: Neoplastic Syndromes, Hereditary; Hereditary neoplastic syndrome; Hereditary Cancer Syndrome; Tumor predisposition. Identifiers: Orphanet 140162, MedGen C0027672, MeSH D009386, MONDO:0015356.

Allele frequency attached by ClinVar (database versions not stated): ExAC 0.00002; gnomAD 0.00007 and 0.00008; gnomAD exomes 0.00007 and 0.00019; TOPMed 0.00007; ESP Exome Variant Server 0.00008.
gnomAD v4.1: 284 of 1,613,352 alleles (0.018%); highest among the groups gnomAD compares: Non-Finnish European, 0.023%; 1 homozygote.

Submissions (8):

PreventionGenetics, part of Exact Sciences
Classification: Uncertain significance for POLE-related condition. Last evaluated: 2026-05-13. Review status: criteria provided, single submitter. Criteria: ACMG Guidelines, 2015. Collection method: clinical testing. Allele origin: germline.
Comment: The POLE c.4736G>A variant is predicted to result in the amino acid substitution p.Arg1579His. To our knowledge, this variant has not been reported in the literature. This variant is reported in 0.016% of alleles in individuals of South Asian descent in gnomAD, including one homozygous individual, which may be too common to be causative. In ClinVar this variant is interpreted as a variant of uncertain significance (Variation ID: 240539). Although we suspect that this variant may be benign, at this time, the clinical significance of this variant is uncertain due to the absence of conclusive functional and genetic evidence.

Labcorp Genetics (formerly Invitae), Labcorp
Classification: Uncertain significance. Last evaluated: 2026-01-26. Review status: criteria provided, single submitter. Criteria: Invitae Variant Classification Sherloc (09022015). Collection method: clinical testing. Allele origin: germline.
Comment: This sequence change replaces arginine, which is basic and polar, with histidine, which is basic and polar, at codon 1579 of the POLE protein (p.Arg1579His). This variant is present in population databases (rs375590443, gnomAD 0.02%). This variant has not been reported in the literature in individuals affected with POLE-related conditions. ClinVar contains an entry for this variant (Variation ID: 240539). Invitae Evidence Modeling of protein sequence and biophysical properties (such as structural, functional, and spatial information, amino acid conservation, physicochemical variation, residue mobility, and thermodynamic stability) indicates that this missense variant is not expected to disrupt POLE protein function with a negative predictive value of 80%. In summary, the available evidence is currently insufficient to determine the role of this variant in disease. Therefore, it has been classified as a Variant of Uncertain Significance.

Ambry Genetics
Classification: Uncertain significance for Hereditary cancer-predisposing syndrome. Last evaluated: 2025-03-03. Review status: criteria provided, single submitter. Criteria: Ambry Variant Classification Scheme 2023. Collection method: clinical testing. Allele origin: germline.
Comment: The p.R1579H variant (also known as c.4736G>A), located in coding exon 37 of the POLE gene, results from a G to A substitution at nucleotide position 4736. The arginine at codon 1579 is replaced by histidine, an amino acid with highly similar properties. This amino acid position is conserved. In addition, this alteration is predicted to be tolerated by in silico analysis. Based on the available evidence, the clinical significance of this variant remains unclear.

GeneDx
Classification: Uncertain significance. Last evaluated: 2024-12-31. Review status: criteria provided, single submitter. Criteria: GeneDx Variant Classification Process June 2021. Collection method: clinical testing. Allele origin: germline. Affected: yes.
Comment: In silico analysis indicates that this missense variant does not alter protein structure/function; Has not been previously published as pathogenic or benign to our knowledge

Fulgent Genetics
Classification: Uncertain significance for Colorectal cancer, susceptibility to, 12; Facial dysmorphism-immunodeficiency-livedo-short stature syndrome; Intrauterine growth retardation, metaphyseal dysplasia, adrenal hypoplasia congenita, genital anomalies, and immunodeficiency. Last evaluated: 2022-05-11. Review status: criteria provided, single submitter. Criteria: ACMG Guidelines, 2015. Collection method: clinical testing. Allele origin: unknown.

Department of Pathology and Laboratory Medicine, Sinai Health System
Classification: Uncertain significance for Polymerase proofreading-related adenomatous polyposis; Familial colorectal cancer type X. Last evaluated: 2021-03-25. Review status: criteria provided, single submitter. Criteria: ACMG Guidelines, 2015. Collection method: clinical testing. Allele origin: germline. Affected: yes.

Quest Diagnostics Nichols Institute San Juan Capistrano
Classification: Uncertain significance. Last evaluated: 2019-04-05. Review status: criteria provided, single submitter. Criteria: Quest Diagnostics criteria. Collection method: clinical testing. Allele origin: germline.

Breakthrough Genomics
Classification: Uncertain significance. Review status: criteria provided, single submitter. Criteria: ACMG Guidelines, 2015. Collection method: not provided. Allele origin: germline. Inheritance: Autosomal recessive inheritance. Affected: yes.

NM_006231.4(POLE):c.4736G>A (p.Arg1579His)

Gene: POLE (DNA polymerase epsilon, catalytic subunit; minus strand). Cytogenetic location: 12q24.33.
Variant type: single nucleotide variant.
Coding change: c.4736G>A on transcript NM_006231.4 (MANE Select); coding-DNA position 4736, G replaced by A.
Protein change: p.Arg1579His; replaces arginine 1579 with histidine.
Molecular consequence: missense variant.
Genome position (GRCh38, 1-based): chr12:132,642,722, C>T on the plus strand (G>A on the coding strand, the complement: POLE is on the minus strand). VCF-style: chr12-132642722-C-T. GRCh37 (hg19) VCF-style: chr12-133219308-C-T.
Other names: short protein forms R1579H.
Identifiers: ClinVar variation 240539 (VCV000240539.27), dbSNP rs375590443, ClinGen allele CA6892724.
Genomic context (GRCh38, chr12:132,642,722, plus strand): 5'-TCACTGGCCAGCCTCTTCAGCTCCCAGCTGGACTGAACAGCGATGAGTGTGGGCCCCCGG[C>T]GCTCCTCCTGGGTCAAGGCAAAATGGAAGAAAAGACCTGGGTGGACCCAGCCTCAAAGAA-3'
Protein context (NP_006222.2, residues 1569-1589): QRFLLAYKEE[Arg1579His]RGPTLIAVQS